The following is an entry in ClinVar:

NM_000057.4(BLM):c.3262G>T (p.Val1088Phe)

Gene: BLM (BLM RecQ like helicase; plus strand). Cytogenetic location: 15q26.1.
Variant type: single nucleotide variant.
Coding change: c.3262G>T on transcript NM_000057.4 (MANE Select); coding-DNA position 3262, G replaced by T.
Protein change: p.Val1088Phe; replaces valine 1088 with phenylalanine.
Molecular consequence: missense variant.
Genome position (GRCh38, 1-based): chr15:90,798,241, G>T. VCF-style: chr15-90798241-G-T. GRCh37 (hg19) VCF-style: chr15-91341471-G-T.
Other names: c.3262G>T, p.Val1088Phe (NM_001287246.2, NM_001287247.2); c.2137G>T, p.Val713Phe (NM_001287248.2); c.3262G>T (NM_000057.2); short protein forms V1088F, V713F.
Identifiers: ClinVar variation 860700 (VCV000860700.8), dbSNP rs934966838, ClinGen allele CA393847210.

ClinVar aggregate classification (germline): Uncertain significance. Review status: criteria provided, multiple submitters, no conflicts (2 of 4 stars). 2 submissions from 2 submitters: Uncertain significance (2). Last evaluated 2024-01-16.

Conditions:
Hereditary cancer-predisposing syndrome. Also called: Tumor predisposition; Hereditary neoplastic syndrome; Neoplastic Syndromes, Hereditary; Hereditary Cancer Syndrome. Identifiers: Orphanet 140162, MedGen C0027672, MeSH D009386, MONDO:0015356.
Bloom syndrome (BLM). Also called: Bloom-Torre-Machacek syndrome. Identifiers: Orphanet 125, MedGen C0005859, MONDO:0008876, OMIM 210900.

Submissions (2):

Ambry Genetics
Classification: Uncertain significance for Hereditary cancer-predisposing syndrome. Last evaluated: 2024-01-16. Review status: criteria provided, single submitter. Criteria: Ambry Variant Classification Scheme 2023. Collection method: clinical testing. Allele origin: germline.
Comment: The p.V1088F variant (also known as c.3262G>T), located in coding exon 16 of the BLM gene, results from a G to T substitution at nucleotide position 3262. The valine at codon 1088 is replaced by phenylalanine, an amino acid with highly similar properties. This amino acid position is conserved. In addition, this alteration is predicted to be deleterious by in silico analysis. Since supporting evidence is limited at this time, the clinical significance of this alteration remains unclear.

Labcorp Genetics (formerly Invitae), Labcorp
Classification: Uncertain significance for Bloom syndrome. Last evaluated: 2023-09-08. Review status: criteria provided, single submitter. Criteria: Invitae Variant Classification Sherloc (09022015). Collection method: clinical testing. Allele origin: germline.
Comment: ClinVar contains an entry for this variant (Variation ID: 860700). In summary, the available evidence is currently insufficient to determine the role of this variant in disease. Therefore, it has been classified as a Variant of Uncertain Significance. Advanced modeling of protein sequence and biophysical properties (such as structural, functional, and spatial information, amino acid conservation, physicochemical variation, residue mobility, and thermodynamic stability) performed at Invitae indicates that this missense variant is expected to disrupt BLM protein function. This variant has not been reported in the literature in individuals affected with BLM-related conditions. This variant is not present in population databases (gnomAD no frequency). This sequence change replaces valine, which is neutral and non-polar, with phenylalanine, which is neutral and non-polar, at codon 1088 of the BLM protein (p.Val1088Phe).